The following is an entry in ClinVar:

ClinVar aggregate classification (germline): Uncertain significance. Review status: criteria provided, multiple submitters, no conflicts (2 of 4 stars). 3 submissions from 3 submitters: Uncertain significance (3). Last evaluated 2026-01-18.

Conditions:
Hereditary breast ovarian cancer syndrome. Also called: BRCA1- and BRCA2-Associated Hereditary Breast and Ovarian Cancer; Hereditary breast and ovarian cancer syndrome; Hereditary breast and/or ovarian cancer syndrome; Hereditary breast and ovarian cancer; Hereditary breast and ovarian cancer syndrome (HBOC); Breast and ovarian cancer. Identifiers: Orphanet 145, MedGen C0677776, MeSH D061325, MONDO:0003582. Disease mechanism: loss of function.
Hereditary cancer-predisposing syndrome. Also called: Tumor predisposition; Neoplastic Syndromes, Hereditary; Hereditary Cancer Syndrome; Hereditary neoplastic syndrome. Identifiers: Orphanet 140162, MedGen C0027672, MeSH D009386, MONDO:0015356.

Submissions (3):

Labcorp Genetics (formerly Invitae), Labcorp
Classification: Uncertain significance for Hereditary breast ovarian cancer syndrome. Last evaluated: 2026-01-18. Review status: criteria provided, single submitter. Criteria: Invitae Variant Classification Sherloc (09022015). Collection method: clinical testing. Allele origin: germline.
Comment: This sequence change falls in intron 14 of the BRCA1 gene. It does not directly change the encoded amino acid sequence of the BRCA1 protein. It affects a nucleotide within the consensus splice site. This variant is not present in population databases (gnomAD no frequency). This variant has not been reported in the literature in individuals affected with BRCA1-related conditions. ClinVar contains an entry for this variant (Variation ID: 801080). Variants that disrupt the consensus splice site are a relatively common cause of aberrant splicing (PMID: 17576681, 9536098). Algorithms developed to predict the effect of sequence changes on RNA splicing suggest that this variant may disrupt the consensus splice site. This variant disrupts the c.4675+3A nucleotide in the BRCA1 gene. Other variant(s) that disrupt this nucleotide have been determined to be pathogenic (internal data). This suggests that this nucleotide is clinically significant, and that variants that disrupt this position are likely to be disease-causing. In summary, the available evidence is currently insufficient to determine the role of this variant in disease. Therefore, it has been classified as a Variant of Uncertain Significance.

Ambry Genetics
Classification: Uncertain significance for Hereditary cancer-predisposing syndrome. Last evaluated: 2025-01-29. Review status: criteria provided, single submitter. Criteria: Ambry Variant Classification Scheme 2023. Collection method: clinical testing. Allele origin: germline.
Comment: The c.4675+3A>C intronic variant results from an A to C substitution 3 nucleotides after coding exon 13 in the BRCA1 gene. This nucleotide position is highly conserved in available vertebrate species. In silico splice site analysis predicts that this alteration will weaken the native splice donor site and may result in the creation or strengthening of a novel splice donor site; however, direct evidence is insufficient at this time (Ambry internal data). Since supporting evidence is limited at this time, the clinical significance of this alteration remains unclear.

Quest Diagnostics Nichols Institute San Juan Capistrano
Classification: Uncertain significance. Last evaluated: 2019-06-29. Review status: criteria provided, single submitter. Criteria: Quest Diagnostics criteria. Collection method: clinical testing. Allele origin: germline.

Literature cited by the submitters: PubMed 17576681 (cited by Labcorp Genetics (formerly Invitae), Labcorp); PubMed 9536098 (cited by Labcorp Genetics (formerly Invitae), Labcorp).

NM_007294.4(BRCA1):c.4675+3A>C

Gene: BRCA1 (BRCA1 DNA repair associated; minus strand). Cytogenetic location: 17q21.31.
Variant type: single nucleotide variant.
Coding change: c.4675+3A>C on transcript NM_007294.4 (MANE Select); 3 bases into the intron after coding-DNA position 4675, A replaced by C.
Molecular consequence: intron variant.
Genome position (GRCh38, 1-based): chr17:43,074,328, T>G on the plus strand (A>C on the coding strand, the complement: BRCA1 is on the minus strand). VCF-style: chr17-43074328-T-G. GRCh37 (hg19) VCF-style: chr17-41226345-T-G.
Other names: c.1222+3A>C (NM_001408458.1, NM_001408461.1, NM_001408464.1 and 7 more transcripts); c.3784+3A>C (NM_001407967.1); c.4294+3A>C (NM_001407959.1); c.4408+3A>C (NM_001407931.1, NM_001407932.1, NM_001407928.1 and 4 more transcripts); c.4531+3A>C (NM_001407747.1, NM_001407745.1, NM_001407737.1 and 21 more transcripts); c.4291+3A>C (NM_001407962.1, NM_001407960.1); c.862+3A>C (NM_001408512.1); c.985+3A>C (NM_001408510.1); and 71 more.
Identifiers: ClinVar variation 801080 (VCV000801080.11), dbSNP rs80358082, ClinGen allele CA915950118.